The following is an entry in ClinVar:

ClinVar aggregate classification (germline): Pathogenic (1 of 4 stars; one submission).

Conditions:
Long QT syndrome (LQTS). Identifiers: MedGen C0023976, MeSH D008133, MONDO:0002442. Disease mechanism: loss of function. Inheritance: Various modes of inheritance.

Submission:

Labcorp Genetics (formerly Invitae), Labcorp
Classification: Pathogenic for Long QT syndrome. Last evaluated: 2019-10-26. Review status: criteria provided, single submitter. Criteria: Invitae Variant Classification Sherloc (09022015). Collection method: clinical testing. Allele origin: germline.
Comment: For these reasons, this variant has been classified as Pathogenic. Loss-of-function variants in KCNH2 are known to be pathogenic (PMID: 10973849, 19862833). This nonsense change has been observed in individuals with clinical features of long QT syndrome (PMID: 16244680, 26669661). This variant is not present in population databases (ExAC no frequency). This sequence change creates a premature translational stop signal (p.Trp563*) in the KCNH2 gene. It is expected to result in an absent or disrupted protein product.

Literature cited by the submitters: PubMed 10973849; PubMed 19862833; PubMed 16244680; PubMed 26669661.

NM_000238.4(KCNH2):c.1688G>A (p.Trp563Ter)

Gene: KCNH2 (potassium voltage-gated channel subfamily H member 2; minus strand). Cytogenetic location: 7q36.1.
Variant type: single nucleotide variant.
Coding change: c.1688G>A on transcript NM_000238.4 (MANE Select); coding-DNA position 1688, G replaced by A.
Protein change: p.Trp563Ter; replaces tryptophan 563 with a stop codon.
Molecular consequence: nonsense.
Genome position (GRCh38, 1-based): chr7:150,951,705, C>T on the plus strand (G>A on the coding strand, the complement: KCNH2 is on the minus strand). VCF-style: chr7-150951705-C-T. GRCh37 (hg19) VCF-style: chr7-150648793-C-T.
Other names: c.668G>A, p.Trp223Ter (NM_001204798.2, NM_172057.3); c.1400G>A, p.Trp467Ter (NM_001406753.1, NM_001406756.1); c.1511G>A, p.Trp504Ter (NM_001406755.1); c.1388G>A, p.Trp463Ter (NM_001406757.1); c.1688G>A, p.Trp563Ter (NM_172056.3); short protein forms W223*, W563*, W467*, W504*, W463*.
Identifiers: ClinVar variation 943351 (VCV000943351.10), dbSNP rs1801175648, ClinGen allele CA369858784.
Genomic context (GRCh38, chr7:150,951,705, plus strand): 5'-ATGCGTGAGTCCATGTGTGGCTGCTCCATGTTGCCGATGGCGTACCAGATGCAGGCTAGC[C>T]AGTGCGCGATGAGCGCAAAGGTGCACATGAGCAAGAACAGCACGGCCGCGCCGTACTCTG-3'